The following is an entry in ClinVar:

NM_007294.4(BRCA1):c.1187A>G (p.Asp396Gly)

Gene: BRCA1 (BRCA1 DNA repair associated; minus strand). Cytogenetic location: 17q21.31.
Variant type: single nucleotide variant.
Coding change: c.1187A>G on transcript NM_007294.4 (MANE Select); coding-DNA position 1187, A replaced by G.
Protein change: p.Asp396Gly; replaces aspartic acid 396 with glycine.
Molecular consequence: missense variant. On other transcripts: intron variant (137).
Genome position (GRCh38, 1-based): chr17:43,094,344, T>C on the plus strand (A>G on the coding strand, the complement: BRCA1 is on the minus strand). VCF-style: chr17-43094344-T-C. GRCh37 (hg19) VCF-style: chr17-41246361-T-C.
Other names: c.787+400A>G (NM_001407976.1, NM_001407980.1, NM_001407993.1 and 19 more transcripts); c.1046A>G, p.Asp349Gly (NM_001407692.1, NM_001407694.1, NM_001407942.1 and 29 more transcripts); c.1061A>G, p.Asp354Gly (NM_001407689.1, NM_001407691.1, NM_001407690.1 and 11 more transcripts); c.646+400A>G (NM_001408459.1, NM_001408467.1, NM_001408458.1 and 11 more transcripts); c.652+400A>G (NM_001408451.1); c.583+400A>G (NM_001408475.1); c.643+400A>G (NM_001408464.1, NM_001408470.1, NM_001408468.1 and 3 more transcripts); c.523+400A>G (NM_001408498.1, NM_001408501.1, NM_001408500.1 and 3 more transcripts); and 40 more; short protein forms D396G, D349G, D228G, D369G, D284G, D325G, D326G, D395G.
Identifiers: ClinVar variation 531267 (VCV000531267.12), dbSNP rs1555592280, ClinGen allele CA10599677.

ClinVar aggregate classification (germline): Conflicting classifications of pathogenicity. Review status: criteria provided, conflicting classifications (1 of 4 stars). 2 submissions from 2 submitters: Uncertain significance (1); Likely benign (1). Last evaluated 2023-03-23.

Conditions:
Hereditary cancer-predisposing syndrome. Also called: Hereditary neoplastic syndrome; Neoplastic Syndromes, Hereditary; Tumor predisposition; Hereditary Cancer Syndrome. Identifiers: Orphanet 140162, MedGen C0027672, MeSH D009386, MONDO:0015356.
Hereditary breast ovarian cancer syndrome. Also called: Hereditary breast and ovarian cancer syndrome (HBOC); BRCA1- and BRCA2-Associated Hereditary Breast and Ovarian Cancer; Hereditary breast and ovarian cancer syndrome; Breast and ovarian cancer; Hereditary breast and ovarian cancer; Hereditary breast and/or ovarian cancer syndrome. Identifiers: Orphanet 145, MedGen C0677776, MeSH D061325, MONDO:0003582. Disease mechanism: loss of function.

Submissions (2):

University of Washington Department of Laboratory Medicine, University of Washington
Classification: Likely benign for Hereditary cancer-predisposing syndrome. Last evaluated: 2023-03-23. Review status: criteria provided, single submitter. Criteria: Dines et al. (Genet Med. 2020). Collection method: curation. Allele origin: germline.
Comment: Missense variant in a coldspot region where missense variants are very unlikely to be pathogenic (PMID:31911673).

BRCA1 coldspot (exon 11 using historical exon numbering). Reclassification based on statistical prior probability

Labcorp Genetics (formerly Invitae), Labcorp
Classification: Uncertain significance for Hereditary breast ovarian cancer syndrome. Last evaluated: 2017-08-06. Review status: criteria provided, single submitter. Criteria: Invitae Variant Classification Sherloc (09022015). Collection method: clinical testing. Allele origin: germline.
Comment: In summary, the available evidence is currently insufficient to determine the role of this variant in disease. Therefore, it has been classified as a Variant of Uncertain Significance. Algorithms developed to predict the effect of sequence changes on RNA splicing suggest that this variant may create or strengthen a splice site, but this prediction has not been confirmed by published transcriptional studies. Algorithms developed to predict the effect of missense changes on protein structure and function (SIFT, PolyPhen-2, Align-GVGD) all suggest that this variant is likely to be tolerated, but these predictions have not been confirmed by published functional studies and their clinical significance is uncertain. This variant has not been reported in the literature in individuals with BRCA1-related disease. This variant is not present in population databases (ExAC no frequency). This sequence change replaces aspartic acid with glycine at codon 396 of the BRCA1 protein (p.Asp396Gly). The aspartic acid residue is moderately conserved and there is a moderate physicochemical difference between aspartic acid and glycine.